The following is an entry in ClinVar:

NM_021035.3(ZNFX1):c.5362_5369del (p.Val1788fs)

Gene: ZNFX1 (zinc finger NFX1-type containing 1; minus strand). Cytogenetic location: 20q13.13.
Variant type: Deletion.
Coding change: c.5362_5369del on transcript NM_021035.3 (MANE Select); coding-DNA positions 5362 to 5369, 8 bases deleted (GTCTATAG; older notation c.5362_5369delGTCTATAG).
Protein change: p.Val1788fs; shifts the reading frame from valine 1788.
Molecular consequence: frameshift variant.
Genome position (GRCh38, 1-based): chr20:49,247,655-49,247,662, CTATAGAC deleted on the plus strand (GTCTATAG on the coding strand, the reverse complement: ZNFX1 is on the minus strand); deleting any 8 consecutive bases within chr20:49,247,655-49,247,664 gives the same sequence; the c. name uses the placement nearest the transcript's 3' end. VCF-style (leftmost placement, unchanged base first): chr20-49247654-ACTATAGAC-A. GRCh37 (hg19) VCF-style: chr20-47864191-ACTATAGAC-A.
Other names: short protein forms V1788fs.
Identifiers: ClinVar variation 1333292 (VCV001333292.1), dbSNP rs2146726622, ClinGen allele CA2573054878.

ClinVar aggregate classification (germline): Uncertain significance (1 of 4 stars; one submission).

Conditions:
ZNFX1-related disorder. Also called: ZNFX1-related condition.

Submission:

3billion
Classification: Uncertain significance for ZNFX1 related disorder. Last evaluated: 2022-01-03. Review status: criteria provided, single submitter. Criteria: ACMG Guidelines, 2015. Collection method: clinical testing. Allele origin: germline. Affected: yes. Observed: 1 homozygote.
Comment: Frameshift: predicted to result in a loss or disruption of normal protein function through protein truncation. The predicted truncated protein may be shortened by less than 10% (PVS1_M). It is not observed in the gnomAD v2.1.1 dataset (PM2_M). Therefore, this variant is classified as uncertain significance according to the recommendation of ACMG/AMP guideline.